The following is an entry in ClinVar:

NM_001256545.2(MEGF10):c.815del (p.Arg272fs)

Gene: MEGF10 (multiple EGF like domains 10; plus strand). Cytogenetic location: 5q23.2.
Variant type: Deletion.
Coding change: c.815del on transcript NM_001256545.2 (MANE Select); coding-DNA position 815, one base deleted (G; older notation c.815delG).
Protein change: p.Arg272fs; shifts the reading frame from arginine 272.
Molecular consequence: frameshift variant.
Genome position (GRCh38, 1-based): chr5:127,402,580, G deleted. VCF-style (leftmost placement, unchanged base first): chr5-127402579-CG-C. GRCh37 (hg19) VCF-style: chr5-126738271-CG-C.
Other names: c.815del, p.Arg272fs (NM_001308119.2, NM_001308121.2, NM_032446.3); short protein forms R272fs.
Identifiers: ClinVar variation 1452067 (VCV001452067.6), dbSNP rs2126934788, ClinGen allele CA2573138885.

ClinVar aggregate classification (germline): Pathogenic (1 of 4 stars; one submission).

Conditions:
MEGF10-related myopathy (CMYO10A). Also called: Congenital myopathy 10A, severe variant. Identifiers: Orphanet 439212, MedGen C3280679, MONDO:0013731, OMIM 614399.

Submission:

Labcorp Genetics (formerly Invitae), Labcorp
Classification: Pathogenic for MEGF10-related myopathy. Last evaluated: 2024-01-15. Review status: criteria provided, single submitter. Criteria: Invitae Variant Classification Sherloc (09022015). Collection method: clinical testing. Allele origin: germline.
Comment: This sequence change creates a premature translational stop signal (p.Arg272Profs*64) in the MEGF10 gene. It is expected to result in an absent or disrupted protein product. Loss-of-function variants in MEGF10 are known to be pathogenic (PMID: 22101682, 22371254, 23453856, 23954233). This variant is not present in population databases (gnomAD no frequency). This variant has not been reported in the literature in individuals affected with MEGF10-related conditions. ClinVar contains an entry for this variant (Variation ID: 1452067). For these reasons, this variant has been classified as Pathogenic.

Literature cited by the submitters: PubMed 22101682; PubMed 22371254; PubMed 23453856; PubMed 23954233.